The following is an entry in ClinVar:

ClinVar aggregate classification (germline): Pathogenic/Likely pathogenic. Review status: criteria provided, multiple submitters, no conflicts (2 of 4 stars). 3 submissions from 3 submitters: Pathogenic (1); Likely pathogenic (2). Last evaluated 2025-11-21.

Conditions:
Familial thoracic aortic aneurysm and aortic dissection (TAAD). Also called: Thoracic aortic aneurysms and dissections. Identifiers: Orphanet 91387, MedGen C4707243, MONDO:0019625.
Cardiovascular phenotype. Identifiers: MedGen CN230736.
FBN1-related disorder. Also called: FBN1-related disorders.

Submissions (3):

Molecular Diagnostic Laboratory for Inherited Cardiovascular Disease, Montreal Heart Institute
Classification: Pathogenic for Cardiovascular phenotype. Last evaluated: 2025-11-21. Review status: criteria provided, single submitter. Criteria: ACMG Guidelines, 2015. Collection method: clinical testing. Allele origin: germline. Affected: yes.
Comment: PM1_strong, PM2, PM5, PP2, PP3

Ambry Genetics
Classification: Likely pathogenic for Familial thoracic aortic aneurysm and aortic dissection. Last evaluated: 2019-09-05. Review status: criteria provided, single submitter. Criteria: Ambry Variant Classification Scheme 2023. Collection method: clinical testing. Allele origin: germline.
Comment: The p.C1971F variant (also known as c.5912G>T), located in coding exon 47 of the FBN1 gene, results from a G to T substitution at nucleotide position 5912. The cysteine at codon 1971 is replaced by phenylalanine, an amino acid with highly dissimilar properties, and is located in the cbEGF domain #29. The majority of FBN1 mutations identified to date have involved the substitution or generation of cysteine residues within cbEGF domains (Vollbrandt T et al. J Biol Chem. 2004;279(31):32924-32931). An alternate amino acid at this codon, p.C1971Y (c.5912GG>A), has been reported in individuals with Marfan syndrome and Marfan-like findings (Loeys B et al. Arch. Intern. Med., 2001 Nov;161:2447-54; Gardella R et al. Clin. Exp. Dermatol., 2001 Nov;26:710-3). Based on internal structural assessment, this alteration eliminates a structurally critical disulfide in the structurally sensitive cbEGF domain #29.This amino acid position is highly conserved in available vertebrate species. In addition, this alteration is predicted to be deleterious by in silico analysis. Based on the majority of available evidence to date, this variant is likely to be pathogenic.

Blueprint Genetics
Classification: Likely pathogenic for FBN1-related disorders. Last evaluated: 2017-08-09. Review status: criteria provided, single submitter. Criteria: ACMG Guidelines, 2015. Collection method: clinical testing. Allele origin: germline. Affected: yes. Observed: 1 variant allele.

Literature cited by the submitters: PubMed 11700157 (cited by Ambry Genetics); PubMed 11722462 (cited by Ambry Genetics).

NM_000138.5(FBN1):c.5912G>T (p.Cys1971Phe)

Gene: FBN1 (fibrillin 1; minus strand). Cytogenetic location: 15q21.1.
Variant type: single nucleotide variant.
Coding change: c.5912G>T on transcript NM_000138.5 (MANE Select); coding-DNA position 5912, G replaced by T.
Protein change: p.Cys1971Phe; replaces cysteine 1971 with phenylalanine.
Molecular consequence: missense variant.
Genome position (GRCh38, 1-based): chr15:48,445,381, C>A on the plus strand (G>T on the coding strand, the complement: FBN1 is on the minus strand). VCF-style: chr15-48445381-C-A. GRCh37 (hg19) VCF-style: chr15-48737578-C-A.
Other names: c.5912G>T, p.Cys1971Phe (NM_001406716.1); short protein forms C1971F.
Identifiers: ClinVar variation 1750458 (VCV001750458.4), dbSNP rs111239111, ClinGen allele CA392339929.